The following is an entry in ClinVar:

NM_001942.4(DSG1):c.2708C>G (p.Ser903Cys)

Genes: DSG1 (desmoglein 1; plus strand), DSG1-AS1 (DSG1 antisense RNA 1; minus strand). Cytogenetic location: 18q12.1.
Variant type: single nucleotide variant.
Coding change: c.2708C>G on transcript NM_001942.4 (MANE Select); coding-DNA position 2708, C replaced by G.
Protein change: p.Ser903Cys; replaces serine 903 with cysteine.
Molecular consequence: missense variant.
Genome position (GRCh38, 1-based): chr18:31,354,904, C>G. VCF-style: chr18-31354904-C-G. GRCh37 (hg19) VCF-style: chr18-28934867-C-G.
Other names: short protein forms S903C.
Identifiers: ClinVar variation 4781877 (VCV004781877.1).

ClinVar aggregate classification (germline): Uncertain significance (1 of 4 stars; one submission).

gnomAD v4.1: 4 of 1,614,192 alleles (0.00025%); highest among the groups gnomAD compares: South Asian, 0.0022%; no homozygotes.

Submission:

Labcorp Genetics (formerly Invitae), Labcorp
Classification: Uncertain significance. Last evaluated: 2025-05-07. Review status: criteria provided, single submitter. Criteria: Invitae Variant Classification Sherloc (09022015). Collection method: clinical testing. Allele origin: germline.
Comment: This sequence change replaces serine, which is neutral and polar, with cysteine, which is neutral and slightly polar, at codon 903 of the DSG1 protein (p.Ser903Cys). This variant is present in population databases (rs767297675, gnomAD 0.003%). This variant has not been reported in the literature in individuals affected with DSG1-related conditions. An algorithm developed to predict the effect of missense changes on protein structure and function (PolyPhen-2) suggests that this variant is likely to be disruptive. In summary, the available evidence is currently insufficient to determine the role of this variant in disease. Therefore, it has been classified as a Variant of Uncertain Significance.